The following is an entry in ClinVar:

NM_004655.4(AXIN2):c.2141+3G>A

Gene: AXIN2 (axin 2; minus strand). Cytogenetic location: 17q24.1.
Variant type: single nucleotide variant.
Coding change: c.2141+3G>A on transcript NM_004655.4 (MANE Select); 3 bases into the intron after coding-DNA position 2141, G replaced by A.
Molecular consequence: intron variant.
Genome position (GRCh38, 1-based): chr17:65,536,317, C>T on the plus strand (G>A on the coding strand, the complement: AXIN2 is on the minus strand). VCF-style: chr17-65536317-C-T. GRCh37 (hg19) VCF-style: chr17-63532435-C-T.
Other names: c.1946+3G>A (NM_001363813.1); c.2141+3G>A (NM_004655.3).
Identifiers: ClinVar variation 1052076 (VCV001052076.9), dbSNP rs1318855105, ClinGen allele CA626908367.

ClinVar aggregate classification (germline): Conflicting classifications of pathogenicity. Review status: criteria provided, conflicting classifications (1 of 4 stars). 3 submissions from 3 submitters: Uncertain significance (2); Likely benign (1). Last evaluated 2025-07-30.

Conditions:
Hereditary cancer-predisposing syndrome. Also called: Tumor predisposition; Hereditary neoplastic syndrome; Hereditary Cancer Syndrome; Neoplastic Syndromes, Hereditary. Identifiers: Orphanet 140162, MedGen C0027672, MeSH D009386, MONDO:0015356.
Oligodontia-cancer predisposition syndrome. Also called: TOOTH AGENESIS-COLORECTAL CANCER SYNDROME. Identifiers: Orphanet 300576, MedGen C1837750, MONDO:0012075, OMIM 608615. Disease mechanism: loss of function.

Allele frequency attached by ClinVar (database versions not stated): gnomAD exomes below 0.00001.
gnomAD v4.1: 1 of 1,606,890 alleles (0.000062%); highest among the groups gnomAD compares: Non-Finnish European, 0.000085%; no homozygotes.

Submissions (3):

Labcorp Genetics (formerly Invitae), Labcorp
Classification: Uncertain significance for Oligodontia-cancer predisposition syndrome. Last evaluated: 2025-07-30. Review status: criteria provided, single submitter. Criteria: Invitae Variant Classification Sherloc (09022015). Collection method: clinical testing. Allele origin: germline.
Comment: This sequence change falls in intron 8 of the AXIN2 gene. It does not directly change the encoded amino acid sequence of the AXIN2 protein. It affects a nucleotide within the consensus splice site. The frequency data for this variant in the population databases is considered unreliable, as metrics indicate poor data quality at this position in the gnomAD database. This variant has not been reported in the literature in individuals affected with AXIN2-related conditions. ClinVar contains an entry for this variant (Variation ID: 1052076). Variants that disrupt the consensus splice site are a relatively common cause of aberrant splicing (PMID: 17576681, 9536098). Algorithms developed to predict the effect of sequence changes on RNA splicing suggest that this variant is not likely to affect RNA splicing. In summary, the available evidence is currently insufficient to determine the role of this variant in disease. Therefore, it has been classified as a Variant of Uncertain Significance.

Ambry Genetics
Classification: Uncertain significance for Hereditary cancer-predisposing syndrome. Last evaluated: 2025-03-06. Review status: criteria provided, single submitter. Criteria: Ambry Variant Classification Scheme 2023. Collection method: clinical testing. Allele origin: germline.
Comment: The c.2141+3G>A intronic variant results from a G to A substitution 3 nucleotides after coding exon 7 in the AXIN2 gene. This nucleotide position is not well conserved in available vertebrate species. In silico splice site analysis predicts that this alteration will not have any significant effect on splicing. Based on the available evidence, the clinical significance of this variant remains unclear.

Myriad Genetics, Inc.
Classification: Likely benign for Oligodontia-cancer predisposition syndrome. Last evaluated: 2023-12-19. Review status: criteria provided, single submitter. Criteria: Myriad Autosomal Dominant, Autosomal Recessive and X-Linked Classification Criteria (2023). Collection method: clinical testing. Allele origin: unknown.
Comment: This variant is considered likely benign. This variant is intronic and is not expected to impact mRNA splicing.

Literature cited by the submitters: PubMed 17576681 (cited by Labcorp Genetics (formerly Invitae), Labcorp); PubMed 9536098 (cited by Labcorp Genetics (formerly Invitae), Labcorp).